The following is an entry in ClinVar:

ClinVar aggregate classification (germline): Pathogenic. Review status: criteria provided, multiple submitters, no conflicts (2 of 4 stars). 3 submissions from 3 submitters: Pathogenic (2). 1 of the submissions does not count toward it. Last evaluated 2026-01-07.

Conditions:
Sulfite oxidase deficiency due to molybdenum cofactor deficiency type B1 (MOCODB1). Also called: Molybdenum cofactor deficiency B; MOLYBDENUM COFACTOR DEFICIENCY, TYPE B1; Molybdenum cofactor deficiency, complementation group B; Sulfite oxidase deficiency due to molybdenum cofactor deficiency type B. Identifiers: Orphanet 308393, Orphanet 833, MedGen C6065887, MONDO:0009644, OMIM 252160.

Submissions (3):

Labcorp Genetics (formerly Invitae), Labcorp
Classification: Pathogenic. Last evaluated: 2026-01-07. Review status: criteria provided, single submitter. Criteria: Invitae Variant Classification Sherloc (09022015). Collection method: clinical testing. Allele origin: germline.
Comment: This sequence change creates a premature translational stop signal (p.Val116Asnfs*3) in the MOCS2B gene. It is expected to result in an absent or disrupted protein product. Loss-of-function variants in MOCS2B are known to be pathogenic (PMID: 21031595). This variant is present in population databases (rs398122798, gnomAD 0.004%). This premature translational stop signal has been observed in individual(s) with molybdenum cofactor deficiency (PMID: 10053004). This variant is also known as 533del4. ClinVar contains an entry for this variant (Variation ID: 6110). For these reasons, this variant has been classified as Pathogenic.

GeneDx
Classification: Pathogenic. Last evaluated: 2024-09-25. Review status: criteria provided, single submitter. Criteria: GeneDx Variant Classification Process June 2021. Collection method: clinical testing. Allele origin: germline. Affected: yes.
Comment: Frameshift variant predicted to result in protein truncation or nonsense mediated decay in a gene for which loss of function is a known mechanism of disease; Reported using an alternate transcript of the gene; This variant is associated with the following publications: (PMID: 21031595, 36296488, 10053004, 28900816)

OMIM
Classification: Pathogenic for MOLYBDENUM COFACTOR DEFICIENCY, TYPE B1. Last evaluated: 1999-03-01. Review status: no assertion criteria provided. Collection method: literature only. Allele origin: germline. Not counted in ClinVar's aggregate classification.

Literature cited by the submitters: PubMed 21031595 (cited by Labcorp Genetics (formerly Invitae), Labcorp); PubMed 10053004 (cited by Labcorp Genetics (formerly Invitae), Labcorp and OMIM).

NM_004531.5(MOCS2):c.346_349del (p.Val116fs)

Gene: MOCS2 (molybdenum cofactor synthesis 2; minus strand). Cytogenetic location: 5q11.2.
Variant type: Deletion.
Coding change: c.346_349del on transcript NM_004531.5 (MANE Select); coding-DNA positions 346 to 349, 4 bases deleted (GTCA; older notation c.346_349delGTCA).
Protein change: p.Val116fs; shifts the reading frame from valine 116.
Molecular consequence: frameshift variant. On other transcripts: 3 prime UTR variant (1).
Genome position (GRCh38, 1-based): chr5:53,101,387-53,101,390, TGAC deleted on the plus strand (GTCA on the coding strand, the reverse complement: MOCS2 is on the minus strand); deleting any 4 consecutive bases within chr5:53,101,387-53,101,392 gives the same sequence; the c. name uses the placement nearest the transcript's 3' end. VCF-style (leftmost placement, unchanged base first): chr5-53101386-TTGAC-T. GRCh37 (hg19) VCF-style: chr5-52397216-TTGAC-T.
Other names: c.*266_*269del (NM_176806.4); short protein forms V116fs.
Identifiers: ClinVar variation 6110 (VCV000006110.12), dbSNP rs398122798, ClinGen allele CA117942.